The following is an entry in ClinVar:

NC_000005.10:g.(?_112707312)_(112780913_?)del

Genes: APC (APC regulator of Wnt signaling pathway; plus strand), LOC129994371 (ATAC-STARR-seq lymphoblastoid active region 22910; plus strand). Cytogenetic location: 5q22.2.
Variant type: Deletion.
Identifiers: ClinVar variation 647956 (VCV000647956.8).

ClinVar aggregate classification (germline): Pathogenic. Review status: criteria provided, single submitter (1 of 4 stars). 2 submissions from 1 submitter: Pathogenic (1). 1 of the submissions does not count toward it. Last evaluated 2022-11-01.

Conditions:
Familial adenomatous polyposis 1 (FAP1). Also called: FAMILIAL ADENOMATOUS POLYPOSIS 1, ATTENUATED; POLYPOSIS, ADENOMATOUS INTESTINAL. Identifiers: MedGen C2713442, MONDO:0021056, OMIM 175100. Disease mechanism: loss of function.

Submissions (2):

Labcorp Genetics (formerly Invitae), Labcorp
Classification: Pathogenic for Familial adenomatous polyposis 1. Last evaluated: 2022-11-01. Review status: criteria provided, single submitter. Criteria: Invitae Variant Classification Sherloc (09022015). Collection method: clinical testing. Allele origin: germline.
Comment: This variant is also known as deletion of exons 1-5. A similar copy number variant has been observed in individual(s) with familial adenomatous polyposis (PMID: 15689459, 17489848). This variant is a gross deletion of the genomic region encompassing promoter 1B, promoter 1A and exons 2-6 of the APC gene, which includes the initiator codon. This deletion extends beyond the assayed region for this gene and therefore may encompass additional genes. It is expected to result in an absent or disrupted protein product. Loss-of-function variants in APC are known to be pathogenic (PMID: 17963004, 20685668). For these reasons, this variant has been classified as Pathogenic.

Labcorp Genetics (formerly Invitae), Labcorp
Classification: Pathogenic for Familial adenomatous polyposis 1. Last evaluated: 2018-10-03. Review status: flagged submission. Criteria: Invitae Variant Classification Sherloc (09022015). Collection method: clinical testing. Allele origin: germline. Not counted in ClinVar's aggregate classification.
Comment: This variant is a gross deletion of the genomic region encompassing promoter 1B, promoter 1A and exons 2-6 of the APC gene, which includes the initiator codon. The 5' end of this event is unknown as it extends beyond the assayed region for this gene and therefore may encompass additional genes. The 3' boundary is likely confined to intron 6 of the APC gene. This is expected to result in an absent or disrupted protein product. This variant has not been reported in the literature in individuals with APC-related disease. Loss-of-function variants in APC are known to be pathogenic (PMID: 17963004, 20685668). For these reasons, this variant has been classified as Pathogenic.
ClinVar note: Reason: This record appears to be redundant with a more recent record from the same submitter.
ClinVar note: Notes: SCV000942420 appears to be redundant with SCV002241061.

Literature cited by the submitters: PubMed 15689459; PubMed 17489848; PubMed 17963004; PubMed 20685668.